The following is an entry in ClinVar:

NM_001349253.2(SCN11A):c.4985C>T (p.Pro1662Leu)

Gene: SCN11A (sodium voltage-gated channel alpha subunit 11; minus strand). Cytogenetic location: 3p22.2.
Variant type: single nucleotide variant.
Coding change: c.4985C>T on transcript NM_001349253.2 (MANE Select); coding-DNA position 4985, C replaced by T.
Protein change: p.Pro1662Leu; replaces proline 1662 with leucine.
Molecular consequence: missense variant.
Genome position (GRCh38, 1-based): chr3:38,847,085, G>A on the plus strand (C>T on the coding strand, the complement: SCN11A is on the minus strand). VCF-style: chr3-38847085-G-A. GRCh37 (hg19) VCF-style: chr3-38888576-G-A.
Other names: c.4985C>T, p.Pro1662Leu (NM_014139.3); short protein forms P1662L.
Identifiers: ClinVar variation 1744546 (VCV001744546.2), dbSNP rs1365350774, ClinGen allele CA352161828.

ClinVar aggregate classification (germline): Uncertain significance (1 of 4 stars; one submission).

Conditions:
Inborn genetic diseases. Identifiers: MedGen C0950123, MeSH D030342.

Submission:

Ambry Genetics
Classification: Uncertain significance for Inborn genetic diseases. Last evaluated: 2021-06-08. Review status: criteria provided, single submitter. Criteria: Ambry Variant Classification Scheme 2023. Collection method: clinical testing. Allele origin: germline.
Comment: The p.P1662L variant (also known as c.4985C>T), located in coding exon 26 of the SCN11A gene, results from a C to T substitution at nucleotide position 4985. The proline at codon 1662 is replaced by leucine, an amino acid with similar properties. This amino acid position is highly conserved in available vertebrate species. In addition, this alteration is predicted to be deleterious by in silico analysis. Since supporting evidence is limited at this time, the clinical significance of this alteration remains unclear.